The following is an entry in ClinVar:

ClinVar aggregate classification (germline): Uncertain significance (1 of 4 stars; one submission).

gnomAD v4.1: 1 of 1,490,630 alleles (0.000067%); highest among the groups gnomAD compares: Non-Finnish European, 0.000089%; no homozygotes.

Submission:

GeneDx
Classification: Uncertain significance. Last evaluated: 2025-02-20. Review status: criteria provided, single submitter. Criteria: GeneDx Variant Classification Process June 2021. Collection method: clinical testing. Allele origin: germline. Affected: yes.
Comment: Not observed at significant frequency in large population cohorts (gnomAD); In silico analysis indicates that this missense variant does not alter protein structure/function; Has not been previously published as pathogenic or benign to our knowledge

NM_002529.4(NTRK1):c.8G>C (p.Arg3Pro)

Genes: NTRK1 (neurotrophic receptor tyrosine kinase 1; plus strand), LOC129931648 (ATAC-STARR-seq lymphoblastoid silent region 1440; plus strand). Cytogenetic location: 1q23.1.
Variant type: single nucleotide variant.
Coding change: c.8G>C on transcript NM_002529.4 (MANE Select); coding-DNA position 8, G replaced by C.
Protein change: p.Arg3Pro; replaces arginine 3 with proline.
Molecular consequence: missense variant. On other transcripts: intron variant (1).
Genome position (GRCh38, 1-based): chr1:156,860,942, G>C. VCF-style: chr1-156860942-G-C. GRCh37 (hg19) VCF-style: chr1-156830734-G-C.
Other names: c.8G>C, p.Arg3Pro (NM_001012331.2); c.123-3412G>C (NM_001007792.1); short protein forms R3P.
Identifiers: ClinVar variation 4076810 (VCV004076810.1).